The following is an entry in ClinVar:

ClinVar aggregate classification (germline): Pathogenic (1 of 4 stars; one submission).

Submission:

Labcorp Genetics (formerly Invitae), Labcorp
Classification: Pathogenic. Last evaluated: 2024-01-16. Review status: criteria provided, single submitter. Criteria: Invitae Variant Classification Sherloc (09022015). Collection method: clinical testing. Allele origin: germline.
Comment: This sequence change creates a premature translational stop signal (p.Ser388*) in the SETBP1 gene. It is expected to result in an absent or disrupted protein product. Loss-of-function variants in SETBP1 are known to be pathogenic (PMID: 21037274, 25217958). This variant is not present in population databases (gnomAD no frequency). This variant has not been reported in the literature in individuals affected with SETBP1-related conditions. For these reasons, this variant has been classified as Pathogenic.

Literature cited by the submitters: PubMed 21037274; PubMed 25217958.

NM_015559.3(SETBP1):c.1160_1161insTT (p.Val387_Ser388insTer)

Gene: SETBP1 (SET binding protein 1; plus strand). Cytogenetic location: 18q12.3.
Variant type: Insertion.
Coding change: c.1160_1161insTT on transcript NM_015559.3 (MANE Select); coding-DNA positions 1160 to 1161, TT inserted.
Protein change: p.Val387_Ser388insTer.
Molecular consequence: frameshift variant.
Genome position: GRCh38 VCF-style: chr18-44950499-G-GTT. GRCh37 (hg19) VCF-style: chr18-42530464-G-GTT.
Other names: c.1160_1161insTT, p.Val387_Ser388insTer (NM_001379141.1, NM_001379142.1, NM_001410862.1).
Identifiers: ClinVar variation 2709541 (VCV002709541.3), dbSNP rs2511466498, ClinGen allele CA2697555488.